The following is an entry in ClinVar:

ClinVar aggregate classification (germline): Uncertain significance. Review status: criteria provided, multiple submitters, no conflicts (2 of 4 stars). 3 submissions from 3 submitters: Uncertain significance (3). Last evaluated 2024-09-10.

Conditions:
Hereditary cancer-predisposing syndrome. Also called: Hereditary Cancer Syndrome; Tumor predisposition; Neoplastic Syndromes, Hereditary; Hereditary neoplastic syndrome. Identifiers: Orphanet 140162, MedGen C0027672, MeSH D009386, MONDO:0015356.
Tuberous sclerosis 2 (TSC2). Identifiers: Orphanet 805, MedGen C1860707, MONDO:0013199, OMIM 613254.

Submissions (3):

Labcorp Genetics (formerly Invitae), Labcorp
Classification: Uncertain significance for Tuberous sclerosis 2. Last evaluated: 2024-09-10. Review status: criteria provided, single submitter. Criteria: Invitae Variant Classification Sherloc (09022015). Collection method: clinical testing. Allele origin: germline.
Comment: This sequence change replaces proline, which is neutral and non-polar, with leucine, which is neutral and non-polar, at codon 1370 of the TSC2 protein (p.Pro1370Leu). This variant is not present in population databases (gnomAD no frequency). This variant has not been reported in the literature in individuals affected with TSC2-related conditions. Invitae Evidence Modeling of protein sequence and biophysical properties (such as structural, functional, and spatial information, amino acid conservation, physicochemical variation, residue mobility, and thermodynamic stability) indicates that this missense variant is not expected to disrupt TSC2 protein function with a negative predictive value of 95%. In summary, the available evidence is currently insufficient to determine the role of this variant in disease. Therefore, it has been classified as a Variant of Uncertain Significance.

Ambry Genetics
Classification: Uncertain significance for Hereditary cancer-predisposing syndrome. Last evaluated: 2024-09-01. Review status: criteria provided, single submitter. Criteria: Ambry Variant Classification Scheme 2023. Collection method: clinical testing. Allele origin: germline.
Comment: The p.P1370L variant (also known as c.4109C>T), located in coding exon 33 of the TSC2 gene, results from a C to T substitution at nucleotide position 4109. The proline at codon 1370 is replaced by leucine, an amino acid with similar properties. This amino acid position is conserved. In addition, the in silico prediction for this alteration is inconclusive. Based on the available evidence, the clinical significance of this variant remains unclear.

GeneDx
Classification: Uncertain significance. Last evaluated: 2023-05-04. Review status: criteria provided, single submitter. Criteria: GeneDx Variant Classification Process June 2021. Collection method: clinical testing. Allele origin: germline. Affected: yes.
Comment: Not observed at significant frequency in large population cohorts (gnomAD); In silico analysis supports that this missense variant has a deleterious effect on protein structure/function; Has not been previously published as pathogenic or benign to our knowledge

NM_000548.5(TSC2):c.4109C>T (p.Pro1370Leu)

Gene: TSC2 (TSC complex subunit 2; plus strand). Cytogenetic location: 16p13.3.
Variant type: single nucleotide variant.
Coding change: c.4109C>T on transcript NM_000548.5 (MANE Select); coding-DNA position 4109, C replaced by T.
Protein change: p.Pro1370Leu; replaces proline 1370 with leucine.
Molecular consequence: missense variant. On other transcripts: non-coding transcript variant (5).
Genome position (GRCh38, 1-based): chr16:2,084,331, C>T. VCF-style: chr16-2084331-C-T. GRCh37 (hg19) VCF-style: chr16-2134332-C-T.
Other names: c.3908C>T, p.Pro1303Leu (NM_001077183.3); c.4040C>T, p.Pro1347Leu (NM_001114382.3); c.3800C>T, p.Pro1267Leu (NM_001318827.2); c.3764C>T, p.Pro1255Leu (NM_001318829.2); c.3377C>T, p.Pro1126Leu (NM_001318831.2); c.3941C>T, p.Pro1314Leu (NM_001318832.2); c.3911C>T, p.Pro1304Leu (NM_001363528.2); c.3977C>T, p.Pro1326Leu (NM_001370404.1); and 26 more; short protein forms P1103L, P1104L, P1126L, P1146L, P1147L, P1150L, P1170L, P1254L.
Identifiers: ClinVar variation 3343153 (VCV003343153.4).